The following is an entry in ClinVar:

NM_000222.3(KIT):c.1176C>A (p.Phe392Leu)

Gene: KIT (KIT proto-oncogene, receptor tyrosine kinase; plus strand). Cytogenetic location: 4q12.
Variant type: single nucleotide variant.
Coding change: c.1176C>A on transcript NM_000222.3 (MANE Select); coding-DNA position 1176, C replaced by A.
Protein change: p.Phe392Leu; replaces phenylalanine 392 with leucine.
Molecular consequence: missense variant.
Genome position (GRCh38, 1-based): chr4:54,709,484, C>A. VCF-style: chr4-54709484-C-A. GRCh37 (hg19) VCF-style: chr4-55575650-C-A.
Other names: c.1176C>A, p.Phe392Leu (NM_001093772.2, NM_001385285.1, NM_001385286.1); c.1179C>A, p.Phe393Leu (NM_001385284.1, NM_001385288.1, NM_001385290.1 and 1 more transcripts); c.1176C>A (NM_000222.2); short protein forms F392L, F393L.
Identifiers: ClinVar variation 1439012 (VCV001439012.9), dbSNP rs1212358569, ClinGen allele CA356902375.
Genomic context (GRCh38, chr4:54,709,484, plus strand): 5'-ATACGTAAGTGAACTTCATCTAACGAGATTAAAAGGCACCGAAGGAGGCACTTACACATT[C>A]CTAGTGTCCAATTCTGACGTCAATGCTGCCATAGCATTTAATGTTTATGTGAATAGTAAG-3'
Protein context (NP_000213.1, residues 382-402): LKGTEGGTYT[Phe392Leu]LVSNSDVNAA

ClinVar aggregate classification (germline): Uncertain significance. Review status: criteria provided, multiple submitters, no conflicts (2 of 4 stars). 2 submissions from 2 submitters: Uncertain significance (2). Last evaluated 2026-07-07.

Conditions:
Hereditary cancer-predisposing syndrome. Also called: Hereditary Cancer Syndrome; Neoplastic Syndromes, Hereditary; Hereditary neoplastic syndrome; Tumor predisposition. Identifiers: Orphanet 140162, MedGen C0027672, MeSH D009386, MONDO:0015356.
Gastrointestinal stromal tumor. Also called: Gastrointestinal stromal tumor, somatic; Gastrointestinal stroma tumor. Identifiers: Orphanet 44890, MedGen C0238198, MeSH D046152, MONDO:0011719, OMIM 606764, HP:0100723.

Submissions (2):

Ambry Genetics
Classification: Uncertain significance for Hereditary cancer-predisposing syndrome. Last evaluated: 2026-07-07. Review status: criteria provided, single submitter. Criteria: Ambry Variant Classification Scheme 2023. Collection method: clinical testing. Allele origin: germline.
Comment: The p.F392L variant (also known as c.1176C>A), located in coding exon 7 of the KIT gene, results from a C to A substitution at nucleotide position 1176. The phenylalanine at codon 392 is replaced by leucine, an amino acid with highly similar properties. This amino acid position is conserved. In addition, the in silico prediction for this alteration is inconclusive. Based on the available evidence, the clinical significance of this variant remains unclear.

Labcorp Genetics (formerly Invitae), Labcorp
Classification: Uncertain significance for Gastrointestinal stromal tumor. Last evaluated: 2024-10-16. Review status: criteria provided, single submitter. Criteria: Invitae Variant Classification Sherloc (09022015). Collection method: clinical testing. Allele origin: germline.
Comment: This sequence change replaces phenylalanine, which is neutral and non-polar, with leucine, which is neutral and non-polar, at codon 392 of the KIT protein (p.Phe392Leu). This variant is not present in population databases (gnomAD no frequency). This variant has not been reported in the literature in individuals affected with KIT-related conditions. ClinVar contains an entry for this variant (Variation ID: 1439012). An algorithm developed to predict the effect of missense changes on protein structure and function (PolyPhen-2) suggests that this variant is likely to be disruptive. In summary, the available evidence is currently insufficient to determine the role of this variant in disease. Therefore, it has been classified as a Variant of Uncertain Significance.